The following is an entry in ClinVar:

NM_001242896.3(DEPDC5):c.4568AGC[1] (p.Gln1524del)

Gene: DEPDC5 (DEP domain containing 5, GATOR1 subcomplex subunit; plus strand). Cytogenetic location: 22q12.3.
Variant type: Microsatellite.
Coding change: c.4568AGC[1] on transcript NM_001242896.3 (MANE Select); one copy of the 3-base unit AGC starting at c.4568; the reference has two copies in a row; one copy, 3 bases deleted.
Protein change: p.Gln1524del; deletes glutamine 1524.
Molecular consequence: inframe deletion. On other transcripts: non-coding transcript variant (5).
Genome position (GRCh38, 1-based): chr22:31,906,256-31,906,258, AGC deleted; deleting any 3 consecutive bases within chr22:31,906,251-31,906,258 gives the same sequence; the position shown is the placement nearest the transcript's 3' end. VCF-style (leftmost placement, unchanged base first): chr22-31906250-GGCA-G. GRCh37 (hg19) VCF-style: chr22-32302236-GGCA-G.
Other names: c.4541AGC[1], p.Gln1515del (NM_001136029.4); c.4268AGC[1], p.Gln1424del (NM_001242897.2); c.4502AGC[1], p.Gln1502del (NM_001363852.2, NM_001364320.2); c.4334AGC[1], p.Gln1446del (NM_001363854.2, NM_001364319.2); c.4568AGC[1], p.Gln1524del (NM_001364318.2); c.4484AGC[1], p.Gln1496del (NM_001369901.1, NM_001369902.1); c.4475AGC[1], p.Gln1493del (NM_001369903.1, NM_014662.6); short protein forms Q1424del, Q1446del, Q1493del, Q1496del, Q1502del, Q1515del, Q1524del.
Identifiers: ClinVar variation 1061966 (VCV001061966.7), dbSNP rs1296781205, ClinGen allele CA639390429.

ClinVar aggregate classification (germline): Uncertain significance (1 of 4 stars; one submission).

Conditions:
Familial focal epilepsy with variable foci (FPEVF). Identifiers: Orphanet 98820, MedGen C1858477, MONDO:0020310.

Submission:

Labcorp Genetics (formerly Invitae), Labcorp
Classification: Uncertain significance for Familial focal epilepsy with variable foci. Last evaluated: 2025-02-24. Review status: criteria provided, single submitter. Criteria: Invitae Variant Classification Sherloc (09022015). Collection method: clinical testing. Allele origin: germline.
Comment: This variant, c.4571_4573del, results in the deletion of 1 amino acid(s) of the DEPDC5 protein (p.Gln1524del), but otherwise preserves the integrity of the reading frame. This variant is present in population databases (no rsID available, gnomAD 0.01%). This variant has not been reported in the literature in individuals affected with DEPDC5-related conditions. Experimental studies and prediction algorithms are not available or were not evaluated, and the functional significance of this variant is currently unknown. In summary, the available evidence is currently insufficient to determine the role of this variant in disease. Therefore, it has been classified as a Variant of Uncertain Significance.